The following is an entry in ClinVar:

ClinVar aggregate classification (germline): Uncertain significance (1 of 4 stars; one submission).

gnomAD v4.1: 20 of 1,612,612 alleles (0.0012%); highest among the groups gnomAD compares: African/African-American, 0.0027%; no homozygotes.

Submission:

GeneDx
Classification: Uncertain significance. Last evaluated: 2025-07-03. Review status: criteria provided, single submitter. Criteria: GeneDx Variant Classification Process June 2021. Collection method: clinical testing. Allele origin: germline. Affected: yes.
Comment: In silico analysis supports that this missense variant has a deleterious effect on protein structure/function; Has not been previously published as pathogenic or benign to our knowledge

NM_001567.4(INPPL1):c.1478C>T (p.Thr493Met)

Gene: INPPL1 (inositol polyphosphate phosphatase like 1; plus strand). Cytogenetic location: 11q13.4.
Variant type: single nucleotide variant.
Coding change: c.1478C>T on transcript NM_001567.4 (MANE Select); coding-DNA position 1478, C replaced by T.
Protein change: p.Thr493Met; replaces threonine 493 with methionine.
Molecular consequence: missense variant.
Genome position (GRCh38, 1-based): chr11:72,231,170, C>T. VCF-style: chr11-72231170-C-T. GRCh37 (hg19) VCF-style: chr11-71942214-C-T.
Other names: c.1544C>T, p.Thr515Met (NM_001440434.1); c.1478C>T, p.Thr493Met (NM_001440435.1, NM_001440436.1, NM_001440438.1); c.1337C>T, p.Thr446Met (NM_001440437.1); short protein forms T446M, T493M, T515M.
Identifiers: ClinVar variation 4681034 (VCV004681034.1).